The following is an entry in ClinVar:

NM_017534.6(MYH2):c.2831C>A (p.Ala944Asp)

Genes: MYH2 (myosin heavy chain 2; minus strand), MYHAS (myosin heavy chain gene cluster antisense RNA; plus strand). Cytogenetic location: 17p13.1.
Variant type: single nucleotide variant.
Coding change: c.2831C>A on transcript NM_017534.6 (MANE Select); coding-DNA position 2831, C replaced by A.
Protein change: p.Ala944Asp; replaces alanine 944 with aspartic acid.
Molecular consequence: missense variant.
Genome position (GRCh38, 1-based): chr17:10,529,941, G>T on the plus strand (C>A on the coding strand, the complement: MYH2 is on the minus strand). VCF-style: chr17-10529941-G-T. GRCh37 (hg19) VCF-style: chr17-10433258-G-T.
Other names: c.2831C>A, p.Ala944Asp (NM_001100112.2); short protein forms A944D.
Identifiers: ClinVar variation 1352348 (VCV001352348.8), dbSNP rs2142300910, ClinGen allele CA398142183.

ClinVar aggregate classification (germline): Uncertain significance (1 of 4 stars; one submission).

Conditions:
Myopathy, proximal, and ophthalmoplegia (CMYO6). Also called: CONGENITAL MYOPATHY 6 WITH OPHTHALMOPLEGIA; MYOPATHY WITH CONGENITAL JOINT CONTRACTURES, OPHTHALMOPLEGIA, AND RIMMED VACUOLES; INCLUSION BODY MYOPATHY 3, AUTOSOMAL DOMINANT. Identifiers: Orphanet 363677, Orphanet 79091, MedGen C1854106, MONDO:0011577, OMIM 605637.

Allele frequency attached by ClinVar (database versions not stated): gnomAD exomes 0.00001.
gnomAD v4.1: 9 of 1,612,784 alleles (0.00056%); highest among the groups gnomAD compares: Non-Finnish European, 0.00076%; no homozygotes.

Submission:

Labcorp Genetics (formerly Invitae), Labcorp
Classification: Uncertain significance for Myopathy, proximal, and ophthalmoplegia. Last evaluated: 2021-06-29. Review status: criteria provided, single submitter. Criteria: Invitae Variant Classification Sherloc (09022015). Collection method: clinical testing. Allele origin: germline.
Comment: Algorithms developed to predict the effect of missense changes on protein structure and function (SIFT, PolyPhen-2, Align-GVGD) all suggest that this variant is likely to be disruptive, but these predictions have not been confirmed by published functional studies and their clinical significance is uncertain. In summary, the available evidence is currently insufficient to determine the role of this variant in disease. Therefore, it has been classified as a Variant of Uncertain Significance. This variant has not been reported in the literature in individuals with MYH2-related conditions. This variant is not present in population databases (ExAC no frequency). This sequence change replaces alanine with aspartic acid at codon 944 of the MYH2 protein (p.Ala944Asp). The alanine residue is highly conserved and there is a moderate physicochemical difference between alanine and aspartic acid.